The following is an entry in ClinVar:

NM_002615.7(SERPINF1):c.358G>T (p.Gly120Cys)

Gene: SERPINF1 (serpin family F member 1; plus strand). Cytogenetic location: 17p13.3.
Variant type: single nucleotide variant.
Coding change: c.358G>T on transcript NM_002615.7 (MANE Select); coding-DNA position 358, G replaced by T.
Protein change: p.Gly120Cys; replaces glycine 120 with cysteine.
Molecular consequence: missense variant. On other transcripts: 5 prime UTR variant (1).
Genome position (GRCh38, 1-based): chr17:1,771,103, G>T. VCF-style: chr17-1771103-G-T. GRCh37 (hg19) VCF-style: chr17-1674397-G-T.
Other names: c.358G>T, p.Gly120Cys (NM_001329903.2); c.-204G>T (NM_001329904.2); short protein forms G120C.
Identifiers: ClinVar variation 4795677 (VCV004795677.1).

ClinVar aggregate classification (germline): Uncertain significance (1 of 4 stars; one submission).

gnomAD v4.1: 3 of 1,614,042 alleles (0.00019%); highest among the groups gnomAD compares: Admixed American, 0.0033%; no homozygotes.

Submission:

GeneDx
Classification: Uncertain significance. Last evaluated: 2025-08-10. Review status: criteria provided, single submitter. Criteria: GeneDx Variant Classification Process June 2021. Collection method: clinical testing. Allele origin: germline. Affected: yes.
Comment: In silico analysis suggests that this missense variant does not alter protein structure/function; Has not been previously published as pathogenic or benign to our knowledge